The following is an entry in ClinVar:

ClinVar aggregate classification (germline): Likely pathogenic (1 of 4 stars; one submission).

Conditions:
Cardiovascular phenotype. Identifiers: MedGen CN230736.

Submission:

Ambry Genetics
Classification: Likely pathogenic for Cardiovascular phenotype. Last evaluated: 2023-08-16. Review status: criteria provided, single submitter. Criteria: Ambry Variant Classification Scheme 2023. Collection method: clinical testing. Allele origin: germline.
Comment: The c.15312_15313delAAinsT variant, located in coding exon 58 of the TTN gene, results from the deletion of two nucleotides and insertion of one nucleotide causing a translational frameshift with a predicted alternate stop codon (p.K5104Nfs*4). This exon is located in the I-band region of the N2-B isoform of the titin protein and is constitutively expressed in TTN transcripts (percent spliced in or PSI 100%). This variant is considered to be rare based on population cohorts in the Genome Aggregation Database (gnomAD). This alteration is expected to result in loss of function by premature protein truncation or nonsense-mediated mRNA decay. While truncating variants in TTN are present in 1-3% of the general population, truncating variants in the A-band are the most common cause of dilated cardiomyopathy (DCM) (Herman DS et al. N. Engl. J. Med., 2012 Feb;366:619-28; Roberts AM et al. Sci Transl Med, 2015 Jan;7:270ra6). TTN truncating variants encoded in constitutive exons (PSI >90%) have been found to be significantly associated with DCM regardless of their position in titin (Schafer S et al. Nat. Genet., 2017 01;49:46-53). Based on the majority of available evidence to date, this variant is likely to be pathogenic.

NM_001267550.2(TTN):c.42507_42508delinsT (p.Lys14169fs)

Gene: TTN (titin; minus strand). Cytogenetic location: 2q31.2.
Variant type: Indel.
Coding change: c.42507_42508delinsT on transcript NM_001267550.2 (MANE Select); coding-DNA positions 42507 to 42508, AA replaced by T.
Protein change: p.Lys14169fs; shifts the reading frame from lysine 14169.
Molecular consequence: frameshift variant.
Genome position (GRCh38, 1-based): chr2:178,633,991-178,633,992, TT replaced by A on the plus strand (AA replaced by T on the coding strand, the reverse complement: TTN is on the minus strand). VCF-style: chr2-178633991-TT-A. GRCh37 (hg19) VCF-style: chr2-179498718-TT-A.
Other names: c.37584_37585delinsT, p.Lys12528fs (NM_001256850.1); c.15312_15313delinsT, p.Lys5104fs (NM_003319.4); c.34803_34804delinsT, p.Lys11601fs (NM_133378.4); c.15687_15688delinsT, p.Lys5229fs (NM_133432.3); c.15888_15889delinsT, p.Lys5296fs (NM_133437.4); c.15312_15313delAAinsT (NM_003319.4); short protein forms K12528fs, K14169fs, K11601fs, K5104fs, K5229fs, K5296fs.
Identifiers: ClinVar variation 2586559 (VCV002586559.2), dbSNP rs2471527080, ClinGen allele CA2582342039.
Genomic context (GRCh38, chr2:178,633,991, plus strand): 5'-AGATGAGTACTGTTCTGCTTGTATGGAGTTTGGCATCATTTTTGAACCAGACTACATGCA[TT>A]TTTTCATGAGAAAGTTCACAAACAAAAGTTGCTGTTTCACCTTCTTTTACTGTTTGATCT-3'